The following is an entry in ClinVar:

ClinVar aggregate classification (germline): Uncertain significance (1 of 4 stars; one submission).

Conditions:
CHARGE syndrome (CHARGE). Also called: Hittner Hirsch Kreh syndrome; CHARGE ASSOCIATION--COLOBOMA, HEART ANOMALY, CHOANAL ATRESIA, RETARDATION, GENITAL AND EAR ANOMALIES; Coloboma, heart anomaly, choanal atresia, retardation, genital and ear anomalies; CHARGE association; Hall-Hittner syndrome. Identifiers: Orphanet 138, MedGen C0265354, MONDO:0008965.

Submission:

Labcorp Genetics (formerly Invitae), Labcorp
Classification: Uncertain significance for CHARGE syndrome. Last evaluated: 2023-11-28. Review status: criteria provided, single submitter. Criteria: Invitae Variant Classification Sherloc (09022015). Collection method: clinical testing. Allele origin: germline.
Comment: This variant results in a copy number gain of the genomic region encompassing exon(s) 2-5 of the SEMA3E gene. While the exact position of this variant cannot be determined from the data, sub-genic copy number gains are generally in tandem (PMID: 25640679). This variant is predicted to be in-frame, and likely preserves the integrity of the reading frame. This variant has not been reported in the literature in individuals affected with SEMA3E-related conditions. In summary, the available evidence is currently insufficient to determine the role of this variant in disease. Therefore, it has been classified as a Variant of Uncertain Significance.

Literature cited by the submitters: PubMed 25640679.

NC_000007.13:g.(?_83047686)_(83119610_?)dup

Gene: SEMA3E (semaphorin 3E; minus strand). Cytogenetic location: 7q21.11.
Variant type: Duplication.
Identifiers: ClinVar variation 2425809 (VCV002425809.4).